The following is an entry in ClinVar:

NM_004304.5(ALK):c.3160G>A (p.Gly1054Ser)

Gene: ALK (ALK receptor tyrosine kinase; minus strand). Cytogenetic location: 2p23.2.
Variant type: single nucleotide variant.
Coding change: c.3160G>A on transcript NM_004304.5 (MANE Select); coding-DNA position 3160, G replaced by A.
Protein change: p.Gly1054Ser; replaces glycine 1054 with serine.
Molecular consequence: missense variant.
Genome position (GRCh38, 1-based): chr2:29,225,473, C>T on the plus strand (G>A on the coding strand, the complement: ALK is on the minus strand). VCF-style: chr2-29225473-C-T. GRCh37 (hg19) VCF-style: chr2-29448339-C-T.
Other names: c.3160G>A (NM_004304.3); short protein forms G1054S.
Identifiers: ClinVar variation 404335 (VCV000404335.20), dbSNP rs375889530, ClinGen allele CA1594061.

ClinVar aggregate classification (germline): Conflicting classifications of pathogenicity. Review status: criteria provided, conflicting classifications (1 of 4 stars). 8 submissions from 7 submitters: Uncertain significance (7); Likely benign (1). Last evaluated 2026-10-01.

Conditions:
Hereditary cancer-predisposing syndrome. Also called: Hereditary neoplastic syndrome; Neoplastic Syndromes, Hereditary; Hereditary Cancer Syndrome; Tumor predisposition. Identifiers: Orphanet 140162, MedGen C0027672, MeSH D009386, MONDO:0015356.
Familial isolated pituitary adenoma. Identifiers: Orphanet 314777, MedGen C2676191, MONDO:0017824.
Neuroblastoma, susceptibility to, 3. Also called: ALK-Related Neuroblastic Tumor Susceptibility. Identifiers: Orphanet 635, MedGen C2751681, MONDO:0013083, OMIM 613014.

Allele frequency attached by ClinVar (database versions not stated): gnomAD exomes 0.00004; ExAC 0.00006; gnomAD 0.00007; TOPMed 0.00012; ESP Exome Variant Server 0.00015.
gnomAD v4.1: 142 of 1,612,710 alleles (0.0088%); highest among the groups gnomAD compares: African/African-American, 0.02%; no homozygotes.

Submissions (8):

St. Jude Molecular Pathology, St. Jude Children's Research Hospital
Classification: Uncertain significance for Neuroblastoma, susceptibility to, 3. Last evaluated: 2026-10-01. Review status: criteria provided, single submitter. Criteria: St. Jude Assertion Criteria 2020. Collection method: clinical testing. Allele origin: germline.
Comment: The ALK c.3160G>A p.(Gly1054Ser) missense change has a maximum subpopulation allele frequency of 0.04% in gnomAD v2.1.1. The in silico tool REVEL is inconclusive about a pathogenic or benign ef fect of this variant on protein function, and to our knowledge functional studies have not been performed. To our knowledge, this variant has not been reported in individuals with ALK-related neuroblastic tumor susceptibility. In summary, the evidence cu rrently available is insufficient to determine the clinical significance of this variant. It has therefore been classified as of uncertain significance.

Labcorp Genetics (formerly Invitae), Labcorp
Classification: Uncertain significance for Neuroblastoma, susceptibility to, 3. Last evaluated: 2025-12-18. Review status: criteria provided, single submitter. Criteria: Invitae Variant Classification Sherloc (09022015). Collection method: clinical testing. Allele origin: germline.
Comment: This sequence change replaces glycine, which is neutral and non-polar, with serine, which is neutral and polar, at codon 1054 of the ALK protein (p.Gly1054Ser). This variant is present in population databases (rs375889530, gnomAD 0.05%). This missense change has been observed in individual(s) with familial colorectal cancer type X (PMID: 32984025). ClinVar contains an entry for this variant (Variation ID: 404335). An algorithm developed to predict the effect of missense changes on protein structure and function (PolyPhen-2) suggests that this variant is likely to be disruptive. In summary, the available evidence is currently insufficient to determine the role of this variant in disease. Therefore, it has been classified as a Variant of Uncertain Significance.

Ambry Genetics
Classification: Likely benign for Hereditary cancer-predisposing syndrome. Last evaluated: 2024-06-25. Review status: criteria provided, single submitter. Criteria: Ambry Variant Classification Scheme 2023. Collection method: clinical testing. Allele origin: germline.

Baylor Genetics
Classification: Uncertain significance for Neuroblastoma, susceptibility to, 3. Last evaluated: 2024-03-24. Review status: criteria provided, single submitter. Criteria: ACMG Guidelines, 2015. Collection method: clinical testing. Allele origin: unknown.

GeneDx
Classification: Uncertain significance. Last evaluated: 2023-03-01. Review status: criteria provided, single submitter. Criteria: GeneDx Variant Classification Process June 2021. Collection method: clinical testing. Allele origin: germline. Affected: yes.
Comment: In silico analysis supports that this missense variant does not alter protein structure/function; Identified in a patient with colorectal cancer (Xu et al., 2020); This variant is associated with the following publications: (PMID: 32984025)

Fulgent Genetics
Classification: Uncertain significance for Neuroblastoma, susceptibility to, 3. Last evaluated: 2022-02-02. Review status: criteria provided, single submitter. Criteria: ACMG Guidelines, 2015. Collection method: clinical testing. Allele origin: unknown.

St. Jude Molecular Pathology, St. Jude Children's Research Hospital
Classification: Uncertain significance for Familial isolated pituitary adenoma. Last evaluated: 2021-05-20. Review status: criteria provided, single submitter. Criteria: St. Jude Assertion Criteria 2020. Collection method: clinical testing. Allele origin: germline.

Sema4
Classification: Uncertain significance for Hereditary cancer-predisposing syndrome. Last evaluated: 2021-05-02. Review status: criteria provided, single submitter. Criteria: Sema4 Curation Guidelines. Collection method: curation. Allele origin: germline.
Comment: The ALK c.3160G>A (p.G1054S) variant has been reported in heterozygosity in an individual affected with early onset colorectal cancer (PMID: 32984025). Computational analyses and evolutionary conservation data do not provide strong support for or against an impact to the protein, however these predictions have not been confirmed by published functional studies. This variant was observed in 13/279036 chromosomes from large and broad populations by the Genome Aggregation Database (PMID: 32461654), predominantly in individuals of African heritage (11/24640, AF=0.045%). The population frequency of this variant in African sub-population is higher than expected for a fully penetrant pathogenic variant based on disease/syndrome prevalence. The overall evidence is insufficient to meet ACMG/AMP criteria for classifying it as benign or pathogenic. In summary, the clinical significance of this variant is currently uncertain.

Literature cited by the submitters: PubMed 32984025 (cited by Labcorp Genetics (formerly Invitae), Labcorp and Sema4).